The following is an entry in ClinVar:

NM_004006.3(DMD):c.3637A>T (p.Lys1213Ter)

Gene: DMD (dystrophin; minus strand). Cytogenetic location: Xp21.1.
Variant type: single nucleotide variant.
Coding change: c.3637A>T on transcript NM_004006.3 (MANE Select); coding-DNA position 3637, A replaced by T.
Protein change: p.Lys1213Ter; replaces lysine 1213 with a stop codon.
Molecular consequence: nonsense.
Genome position (GRCh38, 1-based): chrX:32,448,605, T>A on the plus strand (A>T on the coding strand, the complement: DMD is on the minus strand). VCF-style: chrX-32448605-T-A. GRCh37 (hg19) VCF-style: chrX-32466722-T-A.
Other names: c.3613A>T, p.Lys1205Ter (NM_000109.4); c.3625A>T, p.Lys1209Ter (NM_004009.3); c.3268A>T, p.Lys1090Ter (NM_004010.3); short protein forms K1205*, K1090*, K1213*, K1209*.
Identifiers: ClinVar variation 2051622 (VCV002051622.4), dbSNP rs886043133, ClinGen allele CA412662242.

ClinVar aggregate classification (germline): Pathogenic (1 of 4 stars; one submission).

Conditions:
Duchenne muscular dystrophy (DMD). Also called: MUSCULAR DYSTROPHY, PSEUDOHYPERTROPHIC PROGRESSIVE, DUCHENNE TYPE; Duchenne Muscular Dystrophy (DMD). Identifiers: Orphanet 98896, MedGen C0013264, MONDO:0010679, OMIM 310200.

Submission:

Labcorp Genetics (formerly Invitae), Labcorp
Classification: Pathogenic for Duchenne muscular dystrophy. Last evaluated: 2021-12-21. Review status: criteria provided, single submitter. Criteria: Invitae Variant Classification Sherloc (09022015). Collection method: clinical testing. Allele origin: germline.
Comment: This sequence change creates a premature translational stop signal (p.Lys1213*) in the DMD gene. It is expected to result in an absent or disrupted protein product. Loss-of-function variants in DMD are known to be pathogenic (PMID: 16770791, 25007885). For these reasons, this variant has been classified as Pathogenic. Algorithms developed to predict the effect of sequence changes on RNA splicing suggest that this variant may create or strengthen a splice site. This variant has not been reported in the literature in individuals affected with DMD-related conditions. This variant is not present in population databases (gnomAD no frequency).

Literature cited by the submitters: PubMed 16770791; PubMed 25007885.